The following is an entry in ClinVar:

NM_001903.5(CTNNA1):c.1135C>T (p.Arg379Cys)

Gene: CTNNA1 (catenin alpha 1; plus strand). Cytogenetic location: 5q31.2.
Variant type: single nucleotide variant.
Coding change: c.1135C>T on transcript NM_001903.5 (MANE Select); coding-DNA position 1135, C replaced by T.
Protein change: p.Arg379Cys; replaces arginine 379 with cysteine.
Molecular consequence: missense variant. On other transcripts: 5 prime UTR variant (5), intron variant (2).
Genome position (GRCh38, 1-based): chr5:138,886,284, C>T. VCF-style: chr5-138886284-C-T. GRCh37 (hg19) VCF-style: chr5-138221973-C-T.
Other names: c.1135C>T, p.Arg379Cys (NM_001290307.3, NM_001323982.2, NM_001323983.1 and 3 more transcripts); c.826C>T, p.Arg276Cys (NM_001290309.3); c.766C>T, p.Arg256Cys (NM_001290310.3); c.25C>T, p.Arg9Cys (NM_001290312.1, NM_001323987.1, NM_001323988.1 and 18 more transcripts); c.-373C>T (NM_001324006.1, NM_001324007.1, NM_001324008.1 and 1 more transcripts); c.-248C>T (NM_001324013.1); c.-58+10687C>T (NM_001324012.1); c.-61+10687C>T (NM_001324010.1); and 1 more; short protein forms R276C, R379C, R256C, R9C.
Identifiers: ClinVar variation 651957 (VCV000651957.10), dbSNP rs773022966, ClinGen allele CA3431862.

ClinVar aggregate classification (germline): Uncertain significance. Review status: criteria provided, multiple submitters, no conflicts (2 of 4 stars). 3 submissions from 3 submitters: Uncertain significance (3). Last evaluated 2025-06-02.

Conditions:
Hereditary cancer-predisposing syndrome. Also called: Neoplastic Syndromes, Hereditary; Tumor predisposition; Hereditary Cancer Syndrome; Hereditary neoplastic syndrome. Identifiers: Orphanet 140162, MedGen C0027672, MeSH D009386, MONDO:0015356.
Patterned macular dystrophy 2. Identifiers: Orphanet 99001, MedGen C1837029, MONDO:0012162, OMIM 608970.

Allele frequency attached by ClinVar (database versions not stated): gnomAD exomes 0.00001 and 0.00002; ExAC 0.00002.
gnomAD v4.1: 11 of 1,602,570 alleles (0.00069%); highest among the groups gnomAD compares: Non-Finnish European, 0.00017%; no homozygotes.

Submissions (3):

Labcorp Genetics (formerly Invitae), Labcorp
Classification: Uncertain significance. Last evaluated: 2025-06-02. Review status: criteria provided, single submitter. Criteria: Invitae Variant Classification Sherloc (09022015). Collection method: clinical testing. Allele origin: germline.
Comment: This sequence change replaces arginine, which is basic and polar, with cysteine, which is neutral and slightly polar, at codon 379 of the CTNNA1 protein (p.Arg379Cys). The frequency data for this variant in the population databases is considered unreliable, as metrics indicate poor data quality at this position in the gnomAD database. This variant has not been reported in the literature in individuals affected with CTNNA1-related conditions. ClinVar contains an entry for this variant (Variation ID: 651957). Invitae Evidence Modeling of protein sequence and biophysical properties (such as structural, functional, and spatial information, amino acid conservation, physicochemical variation, residue mobility, and thermodynamic stability) indicates that this missense variant is expected to disrupt CTNNA1 protein function with a positive predictive value of 80%. In summary, the available evidence is currently insufficient to determine the role of this variant in disease. Therefore, it has been classified as a Variant of Uncertain Significance.

Ambry Genetics
Classification: Uncertain significance for Hereditary cancer-predisposing syndrome. Last evaluated: 2024-09-05. Review status: criteria provided, single submitter. Criteria: Ambry Variant Classification Scheme 2023. Collection method: clinical testing. Allele origin: germline.
Comment: The p.R379C variant (also known as c.1135C>T), located in coding exon 7 of the CTNNA1 gene, results from a C to T substitution at nucleotide position 1135. The arginine at codon 379 is replaced by cysteine, an amino acid with highly dissimilar properties. This amino acid position is highly conserved in available vertebrate species. In addition, the in silico prediction for this alteration is inconclusive. The evidence for this gene-disease relationship is limited; therefore, the clinical significance of this alteration is unclear.

Fulgent Genetics
Classification: Uncertain significance for Patterned macular dystrophy 2. Last evaluated: 2024-04-12. Review status: criteria provided, single submitter. Criteria: ACMG Guidelines, 2015. Collection method: clinical testing. Allele origin: germline.